The following is an entry in ClinVar:

NM_206933.4(USH2A):c.2309A>G (p.Lys770Arg)

Genes: USH2A (usherin; minus strand), LOC122152296 (Sharpr-MPRA regulatory region 8762; plus strand). Cytogenetic location: 1q41.
Variant type: single nucleotide variant.
Coding change: c.2309A>G on transcript NM_206933.4 (MANE Select); coding-DNA position 2309, A replaced by G.
Protein change: p.Lys770Arg; replaces lysine 770 with arginine.
Molecular consequence: missense variant.
Genome position (GRCh38, 1-based): chr1:216,247,085, T>C on the plus strand (A>G on the coding strand, the complement: USH2A is on the minus strand). VCF-style: chr1-216247085-T-C. GRCh37 (hg19) VCF-style: chr1-216420427-T-C.
Other names: c.2309A>G, p.Lys770Arg (NM_007123.6); short protein forms K770R.
Identifiers: ClinVar variation 1691763 (VCV001691763.2), dbSNP rs922647209, ClinGen allele CA37501437.

ClinVar aggregate classification (germline): Uncertain significance (1 of 4 stars; one submission).

Allele frequency attached by ClinVar (database versions not stated): gnomAD exomes below 0.00001; gnomAD 0.00001; TOPMed 0.00002.
gnomAD v4.1: 2 of 1,613,924 alleles (0.00012%); highest among the groups gnomAD compares: African/African-American, 0.0027%; no homozygotes.

Submission:

GeneDx
Classification: Uncertain significance. Last evaluated: 2021-12-15. Review status: criteria provided, single submitter. Criteria: GeneDx Variant Classification Process June 2021. Collection method: clinical testing. Allele origin: germline. Affected: yes.
Comment: Not observed at significant frequency in large population cohorts (gnomAD); In silico analysis supports that this missense variant does not alter protein structure/function; Has not been previously published as pathogenic or benign to our knowledge